The following is an entry in ClinVar:

NM_013382.7(POMT2):c.1413_1414del (p.Arg473fs)

Gene: POMT2 (protein O-mannosyltransferase 2; minus strand). Cytogenetic location: 14q24.3.
Variant type: Deletion.
Coding change: c.1413_1414del on transcript NM_013382.7 (MANE Select); coding-DNA positions 1413 to 1414, 2 bases deleted (AA; older notation c.1413_1414delAA).
Protein change: p.Arg473fs; shifts the reading frame from arginine 473.
Molecular consequence: frameshift variant.
Genome position (GRCh38, 1-based): chr14:77,285,551-77,285,552, TT deleted on the plus strand (AA on the coding strand, the reverse complement: POMT2 is on the minus strand). VCF-style (leftmost placement, unchanged base first): chr14-77285550-CTT-C. GRCh37 (hg19) VCF-style: chr14-77751893-CTT-C.
Other names: short protein forms R473fs.
Identifiers: ClinVar variation 2946711 (VCV002946711.3), dbSNP rs2503197133, ClinGen allele CA2740097175.

ClinVar aggregate classification (germline): Pathogenic (1 of 4 stars; one submission).

Conditions:
Muscular dystrophy-dystroglycanopathy (congenital with impaired intellectual development), type B, 2. Also called: MUSCULAR DYSTROPHY, CONGENITAL, POMT2-RELATED; Muscular dystrophy-dystroglycanopathy (congenital with intellectual disability), type B2. Identifiers: MedGen C3150416, MONDO:0013160, OMIM 613156.
Muscular dystrophy-dystroglycanopathy (congenital with brain and eye anomalies), type A2. Also called: MUSCULAR DYSTROPHY-DYSTROGLYCANOPATHY (CONGENITAL WITH BRAIN AND EYE ANOMALIES), TYPE A, 2; WALKER-WARBURG SYNDROME OR MUSCLE-EYE-BRAIN DISEASE, POMT2-RELATED. Identifiers: Orphanet 588, Orphanet 899, MedGen C3150411, MONDO:0013154, OMIM 613150.
Autosomal recessive limb-girdle muscular dystrophy type 2N. Also called: MUSCULAR DYSTROPHY-DYSTROGLYCANOPATHY, LIMB-GIRDLE, POMT2-RELATED; Muscular dystrophy-dystroglycanopathy (limb-girdle), type C, 2. Identifiers: Orphanet 206559, MedGen C3150418, MONDO:0013162, OMIM 613158.

Submission:

Labcorp Genetics (formerly Invitae), Labcorp
Classification: Pathogenic for Muscular dystrophy-dystroglycanopathy (congenital with impaired intellectual development), type B, 2; Muscular dystrophy-dystroglycanopathy (congenital with brain and eye anomalies), type A2; Autosomal recessive limb-girdle muscular dystrophy type 2N. Last evaluated: 2023-06-26. Review status: criteria provided, single submitter. Criteria: Invitae Variant Classification Sherloc (09022015). Collection method: clinical testing. Allele origin: germline.
Comment: This sequence change creates a premature translational stop signal (p.Arg473Asnfs*67) in the POMT2 gene. It is expected to result in an absent or disrupted protein product. Loss-of-function variants in POMT2 are known to be pathogenic (PMID: 15894594). This variant is not present in population databases (gnomAD no frequency). This variant has not been reported in the literature in individuals affected with POMT2-related conditions. For these reasons, this variant has been classified as Pathogenic.

Literature cited by the submitters: PubMed 15894594.